The following is an entry in ClinVar:

ClinVar aggregate classification (germline): Conflicting classifications of pathogenicity. Review status: criteria provided, conflicting classifications (1 of 4 stars). 4 submissions from 4 submitters: Uncertain significance (3); Likely benign (1). Last evaluated 2025-07-07.

Conditions:
Hereditary breast ovarian cancer syndrome. Also called: Hereditary breast and ovarian cancer syndrome; Hereditary breast and/or ovarian cancer syndrome; Hereditary breast and ovarian cancer syndrome (HBOC); Breast and ovarian cancer; BRCA1- and BRCA2-Associated Hereditary Breast and Ovarian Cancer; Hereditary breast and ovarian cancer. Identifiers: Orphanet 145, MedGen C0677776, MeSH D061325, MONDO:0003582. Disease mechanism: loss of function.
Hereditary cancer-predisposing syndrome. Also called: Neoplastic Syndromes, Hereditary; Hereditary Cancer Syndrome; Tumor predisposition; Hereditary neoplastic syndrome. Identifiers: Orphanet 140162, MedGen C0027672, MeSH D009386, MONDO:0015356.

gnomAD v4.1: 1 of 1,614,106 alleles (0.000062%); highest among the groups gnomAD compares: Non-Finnish European, 0.000085%; no homozygotes.

Submissions (4):

Labcorp Genetics (formerly Invitae), Labcorp
Classification: Uncertain significance for Hereditary breast ovarian cancer syndrome. Last evaluated: 2025-07-07. Review status: criteria provided, single submitter. Criteria: Invitae Variant Classification Sherloc (09022015). Collection method: clinical testing. Allele origin: germline.
Comment: This sequence change replaces asparagine, which is neutral and polar, with serine, which is neutral and polar, at codon 1169 of the BRCA2 protein (p.Asn1169Ser). This variant is not present in population databases (gnomAD no frequency). This missense change has been observed in individual(s) with pancreatic cancer (PMID: 25479140). ClinVar contains an entry for this variant (Variation ID: 581590). Invitae Evidence Modeling of protein sequence and biophysical properties (such as structural, functional, and spatial information, amino acid conservation, physicochemical variation, residue mobility, and thermodynamic stability) indicates that this missense variant is not expected to disrupt BRCA2 protein function with a negative predictive value of 95%. In summary, the available evidence is currently insufficient to determine the role of this variant in disease. Therefore, it has been classified as a Variant of Uncertain Significance.

Ambry Genetics
Classification: Uncertain significance for Hereditary cancer-predisposing syndrome. Last evaluated: 2025-03-30. Review status: criteria provided, single submitter. Criteria: Ambry Variant Classification Scheme 2023. Collection method: clinical testing. Allele origin: germline.
Comment: The p.N1169S variant (also known as c.3506A>G), located in coding exon 10 of the BRCA2 gene, results from an A to G substitution at nucleotide position 3506. The asparagine at codon 1169 is replaced by serine, an amino acid with highly similar properties. This amino acid position is not well conserved in available vertebrate species. In addition, this alteration is predicted to be tolerated by in silico analysis. Since supporting evidence is limited at this time, the clinical significance of this alteration remains unclear.

University of Washington Department of Laboratory Medicine, University of Washington
Classification: Likely benign for Hereditary cancer-predisposing syndrome. Last evaluated: 2023-03-23. Review status: criteria provided, single submitter. Criteria: Dines et al. (Genet Med. 2020). Collection method: curation. Allele origin: germline.
Comment: Missense variant in a coldspot region where missense variants are very unlikely to be pathogenic (PMID:31911673).

BRCA2 exon 11 coldspot. Reclassification based on statistical prior probability.

Women's Health and Genetics/Laboratory Corporation of America, LabCorp
Classification: Uncertain significance. Last evaluated: 2021-12-02. Review status: criteria provided, single submitter. Criteria: LabCorp Variant Classification Summary - May 2015. Collection method: clinical testing. Allele origin: germline.
Comment: Variant summary: BRCA2 c.3506A>G (p.Asn1169Ser) results in a conservative amino acid change in the encoded protein sequence. Five of five in-silico tools predict a benign effect of the variant on protein function. The variant allele was found at a frequency of 3.7e-06 in 269534 control chromosomes, however the available data on variant occurrences in the general population are insufficient to allow any conclusion about variant significance. c.3506A>G has been reported in the literature in individuals affected with pancreatic cancer (Grant_2015). This report does not provide unequivocal conclusions about association of the variant with Hereditary Breast And Ovarian Cancer Syndrome or other cancers. To our knowledge, no experimental evidence demonstrating an impact on protein function has been reported. One ClinVar submitter assessed this variant since 2014: the variant was classified as of uncertain significance. Based on the evidence outlined above, the variant was classified as uncertain significance.

Literature cited by the submitters: PubMed 25479140 (cited by Labcorp Genetics (formerly Invitae), Labcorp and Women's Health and Genetics/Laboratory Corporation of America, LabCorp); PubMed 32467295 (cited by Women's Health and Genetics/Laboratory Corporation of America, LabCorp).

NM_000059.4(BRCA2):c.3506A>G (p.Asn1169Ser)

Gene: BRCA2 (BRCA2 DNA repair associated; plus strand). Cytogenetic location: 13q13.1.
Variant type: single nucleotide variant.
Coding change: c.3506A>G on transcript NM_000059.4 (MANE Select); coding-DNA position 3506, A replaced by G.
Protein change: p.Asn1169Ser; replaces asparagine 1169 with serine.
Molecular consequence: missense variant.
Genome position (GRCh38, 1-based): chr13:32,337,861, A>G. VCF-style: chr13-32337861-A-G. GRCh37 (hg19) VCF-style: chr13-32911998-A-G.
Other names: short protein forms N1169S.
Identifiers: ClinVar variation 581590 (VCV000581590.14), dbSNP rs1194031580, ClinGen allele CA387776978.